The following is an entry in ClinVar:

NM_003901.4(SGPL1):c.1283G>A (p.Arg428His)

Gene: SGPL1 (sphingosine-1-phosphate lyase 1; plus strand). Cytogenetic location: 10q22.1.
Variant type: single nucleotide variant.
Coding change: c.1283G>A on transcript NM_003901.4 (MANE Select); coding-DNA position 1283, G replaced by A.
Protein change: p.Arg428His; replaces arginine 428 with histidine.
Molecular consequence: missense variant.
Genome position (GRCh38, 1-based): chr10:70,873,574, G>A. VCF-style: chr10-70873574-G-A. GRCh37 (hg19) VCF-style: chr10-72633331-G-A.
Other names: short protein forms R428H.
Identifiers: ClinVar variation 2199834 (VCV002199834.2), dbSNP rs148958805, ClinGen allele CA5541414.
Genomic context (GRCh38, chr10:70,873,574, plus strand): 5'-TGATGCACTTCGGTGAGAACGGCTATGTTGAAGCTACCAAACAGATCATCAAAACTGCTC[G>A]CTTCCTCAAGTCAGAGTATGTGTGGAAGACTGGGGTTCTGCCTTGTCTATTGCTTTTTTG-3'
Protein context (NP_003892.2, residues 418-438): EATKQIIKTA[Arg428His]FLKSELENIK

ClinVar aggregate classification (germline): Uncertain significance (1 of 4 stars; one submission).

Allele frequency attached by ClinVar (database versions not stated): ExAC 0.00007; gnomAD 0.00013; 1000 Genomes Project 30x 0.00016; TOPMed 0.00019; 1000 Genomes Project 0.00020; ESP Exome Variant Server 0.00023.
gnomAD v4.1: 56 of 1,612,554 alleles (0.0035%); highest among the groups gnomAD compares: African/African-American, 0.044%; no homozygotes.

Submission:

Labcorp Genetics (formerly Invitae), Labcorp
Classification: Uncertain significance. Last evaluated: 2022-08-22. Review status: criteria provided, single submitter. Criteria: Invitae Variant Classification Sherloc (09022015). Collection method: clinical testing. Allele origin: germline.
Comment: In summary, the available evidence is currently insufficient to determine the role of this variant in disease. Therefore, it has been classified as a Variant of Uncertain Significance. Algorithms developed to predict the effect of missense changes on protein structure and function are either unavailable or do not agree on the potential impact of this missense change (SIFT: "Deleterious"; PolyPhen-2: "Possibly Damaging"; Align-GVGD: "Class C0"). This variant has not been reported in the literature in individuals affected with SGPL1-related conditions. This variant is present in population databases (rs148958805, gnomAD 0.05%). This sequence change replaces arginine, which is basic and polar, with histidine, which is basic and polar, at codon 428 of the SGPL1 protein (p.Arg428His).